The following is an entry in ClinVar:

ClinVar aggregate classification (germline): Uncertain significance. Review status: criteria provided, multiple submitters, no conflicts (2 of 4 stars). 2 submissions from 2 submitters: Uncertain significance (2). Last evaluated 2025-07-30.

Conditions:
Hereditary cancer-predisposing syndrome. Also called: Hereditary Cancer Syndrome; Hereditary neoplastic syndrome; Neoplastic Syndromes, Hereditary; Tumor predisposition. Identifiers: Orphanet 140162, MedGen C0027672, MeSH D009386, MONDO:0015356.

Submissions (2):

Labcorp Genetics (formerly Invitae), Labcorp
Classification: Uncertain significance. Last evaluated: 2025-07-30. Review status: criteria provided, single submitter. Criteria: Invitae Variant Classification Sherloc (09022015). Collection method: clinical testing. Allele origin: germline.
Comment: This sequence change replaces methionine, which is neutral and non-polar, with leucine, which is neutral and non-polar, at codon 283 of the SMARCB1 protein (p.Met283Leu). This variant is not present in population databases (gnomAD no frequency). This variant has not been reported in the literature in individuals affected with SMARCB1-related conditions. ClinVar contains an entry for this variant (Variation ID: 1920981). Invitae Evidence Modeling of protein sequence and biophysical properties (such as structural, functional, and spatial information, amino acid conservation, physicochemical variation, residue mobility, and thermodynamic stability) indicates that this missense variant is not expected to disrupt SMARCB1 protein function with a negative predictive value of 80%. In summary, the available evidence is currently insufficient to determine the role of this variant in disease. Therefore, it has been classified as a Variant of Uncertain Significance.

Ambry Genetics
Classification: Uncertain significance for Hereditary cancer-predisposing syndrome. Last evaluated: 2025-04-18. Review status: criteria provided, single submitter. Criteria: Ambry Variant Classification Scheme 2023. Collection method: clinical testing. Allele origin: germline.
Comment: The p.M283L variant (also known as c.847A>T), located in coding exon 7 of the SMARCB1 gene, results from an A to T substitution at nucleotide position 847. The methionine at codon 283 is replaced by leucine, an amino acid with highly similar properties. This amino acid position is conserved. In addition, the in silico prediction for this alteration is inconclusive. Based on the available evidence, the clinical significance of this variant remains unclear.

NM_003073.5(SMARCB1):c.847A>T (p.Met283Leu)

Gene: SMARCB1 (SWI/SNF related BAF chromatin remodeling complex subunit B1; plus strand). Cytogenetic location: 22q11.23.
Variant type: single nucleotide variant.
Coding change: c.847A>T on transcript NM_003073.5 (MANE Select); coding-DNA position 847, A replaced by T.
Protein change: p.Met283Leu; replaces methionine 283 with leucine.
Molecular consequence: missense variant.
Genome position (GRCh38, 1-based): chr22:23,825,276, A>T. VCF-style: chr22-23825276-A-T. GRCh37 (hg19) VCF-style: chr22-24167463-A-T.
Other names: c.820A>T, p.Met274Leu (NM_001007468.3); c.874A>T, p.Met292Leu (NM_001317946.2); c.901A>T, p.Met301Leu (NM_001362877.2); short protein forms M283L, M292L, M301L, M274L.
Identifiers: ClinVar variation 1920981 (VCV001920981.6), dbSNP rs2517724456, ClinGen allele CA410907026.